The following is an entry in ClinVar:

NM_004380.3(CREBBP):c.4379_4382del (p.Glu1459_Tyr1460insTer)

Gene: CREBBP (CREB binding lysine acetyltransferase; minus strand). Cytogenetic location: 16p13.3.
Variant type: Deletion.
Coding change: c.4379_4382del on transcript NM_004380.3 (MANE Select); coding-DNA positions 4379 to 4382, 4 bases deleted (ATGT; older notation c.4379_4382delATGT).
Protein change: p.Glu1459_Tyr1460insTer.
Molecular consequence: nonsense.
Genome position (GRCh38, 1-based): chr16:3,738,571-3,738,574, ACAT deleted on the plus strand (ATGT on the coding strand, the reverse complement: CREBBP is on the minus strand); deleting any 4 consecutive bases within chr16:3,738,571-3,738,576 gives the same sequence; the c. name uses the placement nearest the transcript's 3' end. VCF-style (leftmost placement, unchanged base first): chr16-3738570-CACAT-C. GRCh37 (hg19) VCF-style: chr16-3788571-CACAT-C.
Other names: c.4265_4268del, p.Glu1421_Tyr1422insTer (NM_001079846.1).
Identifiers: ClinVar variation 4719952 (VCV004719952.1).
Genomic context (GRCh38, chr16:3,738,570, plus strand): 5'-AAAAAATAAAGGGTTCTTACTAGTTCCAAATAATTTAATCCAAACTCACCCTAATTTCTT[CACAT>C]ACTCTAAATATCCAATAAGGATCTCATGGTAAACGGCTGTGCGGAGGCAACGTGGCCGGA-3'

ClinVar aggregate classification (germline): Pathogenic (1 of 4 stars; one submission).

Conditions:
Rubinstein-Taybi syndrome (RSTS). Identifiers: Orphanet 783, MedGen C0035934, MONDO:0019188.

Submission:

Labcorp Genetics (formerly Invitae), Labcorp
Classification: Pathogenic for Rubinstein-Taybi syndrome. Last evaluated: 2025-05-21. Review status: criteria provided, single submitter. Criteria: Invitae Variant Classification Sherloc (09022015). Collection method: clinical testing. Allele origin: germline.
Comment: This sequence change creates a premature translational stop signal (p.Tyr1460*) in the CREBBP gene. It is expected to result in an absent or disrupted protein product. Loss-of-function variants in CREBBP are known to be pathogenic (PMID: 17052327, 18792986). This variant is not present in population databases (gnomAD no frequency). This variant has not been reported in the literature in individuals affected with CREBBP-related conditions. For these reasons, this variant has been classified as Pathogenic.

Literature cited by the submitters: PubMed 17052327; PubMed 18792986.